The following is an entry in ClinVar:

NM_018903.4(PCDHA12):c.309T>C (p.Ser103=)

Genes: PCDHA-AS1 (protocadherin alpha cluster antisense RNA 1; minus strand), PCDHA1 (protocadherin alpha 1; plus strand), PCDHA10 (protocadherin alpha 10; plus strand), PCDHA11 (protocadherin alpha 11; plus strand), PCDHA12 (protocadherin alpha 12; plus strand) and 9 more. Cytogenetic location: 5q31.3.
Variant type: single nucleotide variant.
Coding change: c.309T>C on transcript NM_018903.4 (MANE Select); coding-DNA position 309, T replaced by C.
Protein change: p.Ser103=; no amino-acid change (serine 103 retained).
Molecular consequence: synonymous variant. On other transcripts: non-coding transcript variant (1), intron variant (14).
Genome position (GRCh38, 1-based): chr5:140,875,781, T>C. VCF-style: chr5-140875781-T-C. GRCh37 (hg19) VCF-style: chr5-140255366-T-C.
Other names: c.309T>C, p.Ser103= (NM_031864.3); c.2394+87097T>C (NM_018900.4); c.1602+87889T>C (NM_031411.3); c.2388+78429T>C (NM_018905.3); c.2394+72190T>C (NM_018906.3); c.2385+66209T>C (NM_018907.4); c.2352+51654T>C (NM_018908.3); c.2394+45296T>C (NM_018909.4); and 7 more.
Identifiers: ClinVar variation 3024695 (VCV003024695.22), dbSNP rs187904552, ClinGen allele CA3452388.
Genomic context (GRCh38, chr5:140,875,781, plus strand): 5'-TTTGTTTGTGAATTCTCGGATCGACCGCGAGAAGCTGTGCGGGCGGAGCGCGGAGTGCAG[T>C]ATCCACCTGGAGGTGATCGTGGACAGGCCGCTGCAGGTTTTCCATGTGGACGTGGAGGTG-3'
Protein context (NP_061726.1, residues 93-113): EKLCGRSAEC[Ser103=]IHLEVIVDRP

ClinVar aggregate classification (germline): Likely benign (1 of 4 stars; one submission).

Allele frequency attached by ClinVar (database versions not stated): 1000 Genomes Project 0.00180; 1000 Genomes Project 30x 0.00187; ESP Exome Variant Server 0.00308; ExAC 0.00354; gnomAD 0.00362; TOPMed 0.00363; gnomAD exomes 0.00485.
gnomAD v4.1: 7,631 of 1,614,134 alleles (0.47%); highest among the groups gnomAD compares: Middle Eastern, 0.64%; 28 homozygotes.

Submission:

CeGaT Center for Human Genetics Tuebingen
Classification: Likely benign. Last evaluated: 2023-11-01. Review status: criteria provided, single submitter. Criteria: CeGaT Center For Human Genetics Tuebingen Variant Classification Criteria Version 2. Collection method: clinical testing. Allele origin: germline. Affected: yes. Observed: 1 variant allele.
Comment: ENSG00000278915: BS2; PCDHA12: BP4, BS2